The following is an entry in ClinVar:

NM_006261.5(PROP1):c.27T>C (p.Ala9=)

Gene: PROP1 (PROP paired-like homeobox 1; minus strand). Cytogenetic location: 5q35.3.
Variant type: single nucleotide variant.
Coding change: c.27T>C on transcript NM_006261.5 (MANE Select); coding-DNA position 27, T replaced by C.
Protein change: p.Ala9=; no amino-acid change (alanine 9 retained).
Molecular consequence: synonymous variant.
Genome position (GRCh38, 1-based): chr5:177,995,907, A>G on the plus strand (T>C on the coding strand, the complement: PROP1 is on the minus strand). VCF-style: chr5-177995907-A-G. GRCh37 (hg19) VCF-style: chr5-177422908-A-G.
Identifiers: ClinVar variation 353017 (VCV000353017.26), dbSNP rs1135320, ClinGen allele CA3587660.

ClinVar aggregate classification (germline): Benign. Review status: criteria provided, multiple submitters, no conflicts (2 of 4 stars). 11 submissions from 11 submitters: Benign (8). 3 of the submissions do not count toward it. Last evaluated 2026-02-04.

Conditions:
Pituitary hormone deficiency, combined, 2. Also called: HANHART DWARFISM; PITUITARY DWARFISM III; PROP1-Related Combined Pituitary Hormone Deficiency; ATELIOTIC DWARFISM WITH HYPOGONADISM. Identifiers: MedGen C0878683, MONDO:0009878, OMIM 262600.

Allele frequency attached by ClinVar (database versions not stated): gnomAD 0.40746 and 0.41718; TOPMed 0.41717; 1000 Genomes Project 30x 0.44269; 1000 Genomes Project 0.44768; gnomAD exomes 0.45509 and 0.48290; ExAC 0.47579; ESP Exome Variant Server 0.39305.

Submissions (11):

Labcorp Genetics (formerly Invitae), Labcorp
Classification: Benign. Last evaluated: 2026-02-04. Review status: criteria provided, single submitter. Criteria: Invitae Variant Classification Sherloc (09022015). Collection method: clinical testing. Allele origin: germline.

Blueprint Genetics
Classification: Benign. Last evaluated: 2024-11-26. Review status: criteria provided, single submitter. Criteria: ACMG Guidelines, 2015. Collection method: clinical testing. Allele origin: germline.

Fulgent Genetics
Classification: Benign for Pituitary hormone deficiency, combined, 2. Last evaluated: 2021-10-25. Review status: criteria provided, single submitter. Criteria: ACMG Guidelines, 2015. Collection method: clinical testing. Allele origin: unknown.

Genome-Nilou Lab
Classification: Benign for Pituitary hormone deficiency, combined, 2. Last evaluated: 2021-07-10. Review status: criteria provided, single submitter. Criteria: ACMG Guidelines, 2015. Collection method: clinical testing. Allele origin: germline. Affected: no.

GeneDx
Classification: Benign. Last evaluated: 2018-08-09. Review status: criteria provided, single submitter. Criteria: GeneDx Variant Classification Process June 2021. Collection method: clinical testing. Allele origin: germline. Affected: yes.

Illumina Laboratory Services, Illumina
Classification: Benign for Pituitary hormone deficiency, combined, 2. Last evaluated: 2018-01-12. Review status: criteria provided, single submitter. Criteria: ICSL Variant Classification Criteria 13 December 2019. Collection method: clinical testing. Allele origin: germline.
Comment: This variant was observed in the ICSL laboratory as part of a predisposition screen in an ostensibly healthy population. It had not been previously curated by ICSL or reported in the Human Gene Mutation Database (HGMD: prior to June 1st, 2018), and was therefore a candidate for classification through an automated scoring system. Utilizing variant allele frequency, disease prevalence and penetrance estimates, and inheritance mode, an automated score was calculated to assess if this variant is too frequent to cause the disease. Based on the score and internal cut-off values, a variant classified as benign is not then subjected to further curation. The score for this variant resulted in a classification of benign for this disease.

Athena Diagnostics
Classification: Benign. Last evaluated: 2017-07-27. Review status: criteria provided, single submitter. Criteria: Athena Diagnostics Criteria. Collection method: clinical testing. Allele origin: germline.

Laboratory for Molecular Medicine, Mass General Brigham Personalized Medicine
Classification: Benign. Last evaluated: 2016-03-29. Review status: criteria provided, single submitter. Criteria: LMM Criteria. Collection method: clinical testing. Allele origin: germline.
Comment: Variant identified in a genome or exome case(s) and assessed due to predicted null impact of the variant or pathogenic assertions in the literature or databases. Disclaimer: This variant has not undergone full assessment. The following are preliminary notes: Frequency

Natera, Inc.
Classification: Benign for Combined pituitary hormone deficiency type 2. Last evaluated: 2020-09-16. Review status: no assertion criteria provided. Collection method: clinical testing. Allele origin: germline. Not counted in ClinVar's aggregate classification.

Clinical Genetics, Academic Medical Center
Classification: Benign. Review status: no assertion criteria provided. Collection method: clinical testing. Allele origin: germline. Affected: yes. Study: VKGL Data-share Consensus. Not counted in ClinVar's aggregate classification.

Diagnostic Laboratory, Department of Genetics, University Medical Center Groningen
Classification: Benign for Pituitary hormone deficiency, combined, 2. Review status: no assertion criteria provided. Collection method: clinical testing. Allele origin: germline. Affected: yes. Study: VKGL Data-share Consensus. Not counted in ClinVar's aggregate classification.